The following is an entry in ClinVar:

NM_000717.5(CA4):c.55G>A (p.Ala19Thr)

Gene: CA4 (carbonic anhydrase 4; plus strand). Cytogenetic location: 17q23.1.
Variant type: single nucleotide variant.
Coding change: c.55G>A on transcript NM_000717.5 (MANE Select); coding-DNA position 55, G replaced by A.
Protein change: p.Ala19Thr; replaces alanine 19 with threonine.
Molecular consequence: missense variant. On other transcripts: non-coding transcript variant (1).
Genome position (GRCh38, 1-based): chr17:60,150,089, G>A. VCF-style: chr17-60150089-G-A. GRCh37 (hg19) VCF-style: chr17-58227450-G-A.
Other names: short protein forms A19T.
Identifiers: ClinVar variation 1483308 (VCV001483308.6), dbSNP rs1405732783, ClinGen allele CA400447868.
Genomic context (GRCh38, chr17:60,150,089, plus strand): 5'-CGCAAGATGCGGATGCTGCTGGCGCTCCTGGCCCTCTCCGCGGCGCGGCCATCGGCCAGT[G>A]CAGGTGAGCTCCCGGGCTCCGGCCCCAGGTGCCCCTCGGCGGTCCCCTCCGTGCCCCCAG-3'
Protein context (NP_000708.1, residues 9-29): ALSAARPSAS[Ala19Thr]ESHWCYEVQA

ClinVar aggregate classification (germline): Uncertain significance (1 of 4 stars; one submission).

Allele frequency attached by ClinVar (database versions not stated): gnomAD exomes 0.00001.
gnomAD v4.1: 3 of 1,597,556 alleles (0.00019%); highest among the groups gnomAD compares: Admixed American, 0.0033%; no homozygotes.

Submission:

Labcorp Genetics (formerly Invitae), Labcorp
Classification: Uncertain significance. Last evaluated: 2022-01-17. Review status: criteria provided, single submitter. Criteria: Invitae Variant Classification Sherloc (09022015). Collection method: clinical testing. Allele origin: germline.
Comment: The frequency data for this variant in the population databases is considered unreliable, as metrics indicate poor data quality at this position in the gnomAD database. This sequence change replaces alanine, which is neutral and non-polar, with threonine, which is neutral and polar, at codon 19 of the CA4 protein (p.Ala19Thr). This variant has not been reported in the literature in individuals affected with CA4-related conditions. In summary, the available evidence is currently insufficient to determine the role of this variant in disease. Therefore, it has been classified as a Variant of Uncertain Significance. Algorithms developed to predict the effect of missense changes on protein structure and function are either unavailable or do not agree on the potential impact of this missense change (SIFT: "Not Available"; PolyPhen-2: "Possibly Damaging"; Align-GVGD: "Not Available").